The following is an entry in ClinVar:

ClinVar aggregate classification (germline): Uncertain significance (1 of 4 stars; one submission).

Conditions:
Hereditary cancer-predisposing syndrome. Also called: Neoplastic Syndromes, Hereditary; Tumor predisposition; Hereditary neoplastic syndrome; Hereditary Cancer Syndrome. Identifiers: Orphanet 140162, MedGen C0027672, MeSH D009386, MONDO:0015356.

Submission:

Ambry Genetics
Classification: Uncertain significance for Hereditary cancer-predisposing syndrome. Last evaluated: 2026-07-07. Review status: criteria provided, single submitter. Criteria: Ambry Variant Classification Scheme 2023. Collection method: clinical testing. Allele origin: germline.
Comment: The p.L36V variant (also known as c.106C>G), located in coding exon 1 of the MEN1 gene, results from a C to G substitution at nucleotide position 106. The leucine at codon 36 is replaced by valine, an amino acid with highly similar properties. This amino acid position is conserved. In addition, this alteration is predicted to be deleterious by in silico analysis. Based on the available evidence, the clinical significance of this variant remains unclear.

NM_001370259.2(MEN1):c.106C>G (p.Leu36Val)

Gene: MEN1 (menin 1; minus strand). Cytogenetic location: 11q13.1.
Variant type: single nucleotide variant.
Coding change: c.106C>G on transcript NM_001370259.2 (MANE Select); coding-DNA position 106, C replaced by G.
Protein change: p.Leu36Val; replaces leucine 36 with valine.
Molecular consequence: missense variant. On other transcripts: non-coding transcript variant (4).
Genome position (GRCh38, 1-based): chr11:64,810,004, G>C on the plus strand (C>G on the coding strand, the complement: MEN1 is on the minus strand). VCF-style: chr11-64810004-G-C. GRCh37 (hg19) VCF-style: chr11-64577476-G-C.
Other names: c.106C>G, p.Leu36Val (NM_001407147.1, NM_001407148.1, NM_001407149.1 and 20 more transcripts); short protein forms L36V.
Identifiers: ClinVar variation 5024291 (VCV005024291.1).
Genomic context (GRCh38, chr11:64,810,004, plus strand): 5'-TAGGGATGACGCGGTTGACAGCCAGAAAATGCTCCACGAAGCCCAGCACCAAGGAAAGGA[G>C]CACCAGGTCCGGCTCCTCTCGGCCCAGCTCGGCAGCAAACAGGCGCACCACGTCGTCGAT-3'
Protein context (NP_001357188.2, residues 26-46): ELGREEPDLV[Leu36Val]LSLVLGFVEH